The following is an entry in ClinVar:

ClinVar aggregate classification (germline): Uncertain significance (1 of 4 stars; one submission).

Submission:

Labcorp Genetics (formerly Invitae), Labcorp
Classification: Uncertain significance. Last evaluated: 2022-09-27. Review status: criteria provided, single submitter. Criteria: Invitae Variant Classification Sherloc (09022015). Collection method: clinical testing. Allele origin: germline.
Comment: In summary, the available evidence is currently insufficient to determine the role of this variant in disease. Therefore, it has been classified as a Variant of Uncertain Significance. Algorithms developed to predict the effect of missense changes on protein structure and function output the following: SIFT: "Tolerated"; PolyPhen-2: "Benign"; Align-GVGD: "Class C0". The threonine amino acid residue is found in multiple mammalian species, which suggests that this missense change does not adversely affect protein function. This variant has not been reported in the literature in individuals affected with CACNA1F-related conditions. This variant is not present in population databases (gnomAD no frequency). This sequence change replaces alanine, which is neutral and non-polar, with threonine, which is neutral and polar, at codon 1797 of the CACNA1F protein (p.Ala1797Thr).

NM_001256789.3(CACNA1F):c.5356G>A (p.Ala1786Thr)

Gene: CACNA1F (calcium voltage-gated channel subunit alpha1 F; minus strand). Cytogenetic location: Xp11.23.
Variant type: single nucleotide variant.
Coding change: c.5356G>A on transcript NM_001256789.3 (MANE Select); coding-DNA position 5356, G replaced by A.
Protein change: p.Ala1786Thr; replaces alanine 1786 with threonine.
Molecular consequence: missense variant.
Genome position (GRCh38, 1-based): chrX:49,206,731, C>T on the plus strand (G>A on the coding strand, the complement: CACNA1F is on the minus strand). VCF-style: chrX-49206731-C-T. GRCh37 (hg19) VCF-style: chrX-49063192-C-T.
Other names: c.5194G>A, p.Ala1732Thr (NM_001256790.3); c.5389G>A, p.Ala1797Thr (NM_005183.4); short protein forms A1732T, A1786T, A1797T.
Identifiers: ClinVar variation 1716788 (VCV001716788.5), dbSNP rs2520693355, ClinGen allele CA412958135.